The following is an entry in ClinVar:

ClinVar aggregate classification (germline): Benign. Review status: criteria provided, multiple submitters, no conflicts (2 of 4 stars). 2 submissions from 2 submitters: Benign (2). Last evaluated 2013-09-18.

Allele frequency attached by ClinVar (database versions not stated): 1000 Genomes Project 0.00899; 1000 Genomes Project 30x 0.01046; ESP Exome Variant Server 0.01153; gnomAD 0.01339; ExAC 0.01360; TOPMed 0.01378.
gnomAD v4.1: 24,293 of 1,613,898 alleles (1.5%); highest among the groups gnomAD compares: Middle Eastern, 7.8%; 254 homozygotes.

Submissions (2):

GeneDx
Classification: Benign. Last evaluated: 2013-09-18. Review status: criteria provided, single submitter. Criteria: GeneDx Variant Classification (06012015). Collection method: clinical testing. Allele origin: germline. Affected: yes.
Comment: This variant is considered likely benign or benign based on one or more of the following criteria: it is a conservative change, it occurs at a poorly conserved position in the protein, it is predicted to be benign by multiple in silico algorithms, and/or has population frequency not consistent with disease.

Breakthrough Genomics
Classification: Benign. Review status: criteria provided, single submitter. Criteria: ACMG Guidelines, 2015. Collection method: not provided. Allele origin: germline. Inheritance: Unknown mechanism. Affected: yes.

NM_144736.5(NDUFAF7):c.525G>A (p.Pro175=)

Gene: NDUFAF7 (NADH:ubiquinone oxidoreductase complex assembly factor 7; plus strand). Cytogenetic location: 2p22.2.
Variant type: single nucleotide variant.
Coding change: c.525G>A on transcript NM_144736.5 (MANE Select); coding-DNA position 525, G replaced by A.
Protein change: p.Pro175=; no amino-acid change (proline 175 retained).
Molecular consequence: synonymous variant. On other transcripts: non-coding transcript variant (6), intron variant (2).
Genome position (GRCh38, 1-based): chr2:37,241,694, G>A. VCF-style: chr2-37241694-G-A. GRCh37 (hg19) VCF-style: chr2-37468837-G-A.
Other names: p.P175P:CCG>CCA; c.525G>A, p.Pro175= (NM_001350024.2); c.444G>A, p.Pro148= (NM_001350025.2); c.468+57G>A (NM_001350027.2); c.387+57G>A (NM_001083946.2).
Identifiers: ClinVar variation 138463 (VCV000138463.2), dbSNP rs17409514, ClinGen allele CA292463.